The following is an entry in ClinVar:

ClinVar aggregate classification (germline): Likely pathogenic (1 of 4 stars; one submission).

Submission:

ARUP Laboratories, Molecular Genetics and Genomics, ARUP Laboratories
Classification: Likely pathogenic. Last evaluated: 2023-09-12. Review status: criteria provided, single submitter. Criteria: ARUP Molecular Germline Variant Investigation Process 2024. Collection method: clinical testing. Allele origin: germline.
Comment: The ATP6V0A1 c.2384A>T; p.Glu795Val variant (rs1178273736), to our knowledge, is not reported in the medical literature or gene specific databases. This variant is also absent from the Genome Aggregation Database (v2.1.1), indicating it is not a common polymorphism. Computational analyses predict that this variant is deleterious (REVEL: 0.944). Based on available information, this variant is considered to be likely pathogenic.

NM_001130021.3(ATP6V0A1):c.2381A>T (p.Glu794Val)

Gene: ATP6V0A1 (ATPase H+ transporting V0 subunit a1; plus strand). Cytogenetic location: 17q21.2.
Variant type: single nucleotide variant.
Coding change: c.2381A>T on transcript NM_001130021.3 (MANE Select); coding-DNA position 2381, A replaced by T.
Protein change: p.Glu794Val; replaces glutamic acid 794 with valine.
Molecular consequence: missense variant. On other transcripts: intron variant (7).
Genome position (GRCh38, 1-based): chr17:42,514,421, A>T. VCF-style: chr17-42514421-A-T. GRCh37 (hg19) VCF-style: chr17-40666439-A-T.
Other names: c.2384A>T, p.Glu795Val (NM_001130020.3); c.2402A>T, p.Glu801Val (NM_001378522.1); c.2276A>T, p.Glu759Val (NM_001378523.1); c.2579A>T, p.Glu860Val (NM_001378530.1); c.2525A>T, p.Glu842Val (NM_001378531.1); c.2507A>T, p.Glu836Val (NM_001378532.1); c.2504A>T, p.Glu835Val (NM_001378533.1); c.2477A>T, p.Glu826Val (NM_001378534.1); and 20 more; short protein forms E717V, E723V, E758V, E759V, E788V, E829V, E860V, E724V.
Identifiers: ClinVar variation 2921041 (VCV002921041.1), dbSNP rs1178273736, ClinGen allele CA399586588.
Genomic context (GRCh38, chr17:42,514,421, plus strand): 5'-TGCTGTTCTTCTTCTTCACTGCCTTTGCCACCCTGACCGTGGCCATCCTCCTGATCATGG[A>T]GGGCCTCTCGGCCTTTCTCCACGCACTGCGCTTACACTGGTGAGGGGCAGTGGGGCAGGG-3'
Protein context (NP_001123493.1, residues 784-804): TLTVAILLIM[Glu794Val]GLSAFLHALR